The following is an entry in ClinVar:

NM_020719.3(PRR12):c.2887G>A (p.Gly963Ser)

Gene: PRR12 (proline rich 12; plus strand). Cytogenetic location: 19q13.33.
Variant type: single nucleotide variant.
Coding change: c.2887G>A on transcript NM_020719.3 (MANE Select); coding-DNA position 2887, G replaced by A.
Protein change: p.Gly963Ser; replaces glycine 963 with serine.
Molecular consequence: missense variant.
Genome position (GRCh38, 1-based): chr19:49,597,222, G>A. VCF-style: chr19-49597222-G-A. GRCh37 (hg19) VCF-style: chr19-50100479-G-A.
Other names: short protein forms G963S.
Identifiers: ClinVar variation 3343530 (VCV003343530.4).

ClinVar aggregate classification (germline): Uncertain significance. Review status: criteria provided, multiple submitters, no conflicts (2 of 4 stars). 3 submissions from 3 submitters: Uncertain significance (3). Last evaluated 2025-11-07.

Conditions:
Inborn genetic diseases. Identifiers: MedGen C0950123, MeSH D030342.

Submissions (3):

Dasa
Classification: Uncertain significance. Last evaluated: 2025-11-07. Review status: criteria provided, single submitter. Criteria: DASA Assertion Criteria. Collection method: clinical testing. Allele origin: germline.
Comment: NM_020719.3(PRR12):c.2887G>A (p.Gly963Ser) is a missense variant that results in the substitution of glycine with serine. This variant is rare in population databases. Computational prediction algorithms are consistent with a benign effect. The currently available literature and clinical evidence are not sufficient to establish a definitive association between this variant and the reported condition. Therefore, this variant is classified as a variant of uncertain significance.

Ambry Genetics
Classification: Uncertain significance for Inborn genetic diseases. Last evaluated: 2024-12-16. Review status: criteria provided, single submitter. Criteria: Ambry Variant Classification Scheme 2023. Collection method: clinical testing. Allele origin: germline.

GeneDx
Classification: Uncertain significance. Last evaluated: 2023-05-14. Review status: criteria provided, single submitter. Criteria: GeneDx Variant Classification Process June 2021. Collection method: clinical testing. Allele origin: germline. Affected: yes.
Comment: Not observed at significant frequency in large population cohorts (gnomAD); In silico analysis supports that this missense variant does not alter protein structure/function; Has not been previously published as pathogenic or benign to our knowledge